The following is an entry in ClinVar:

NM_000038.6(APC):c.4970dup (p.Ser1658fs)

Gene: APC (APC regulator of Wnt signaling pathway; plus strand). Cytogenetic location: 5q22.2.
Variant type: Duplication.
Coding change: c.4970dup on transcript NM_000038.6 (MANE Select); coding-DNA position 4970, one base duplicated (T; older notation c.4970dupT).
Protein change: p.Ser1658fs; shifts the reading frame from serine 1658.
Molecular consequence: frameshift variant.
Genome position (GRCh38, 1-based): chr5:112,840,564, T duplicated. VCF-style (leftmost placement, unchanged base first): chr5-112840563-C-CT. GRCh37 (hg19) VCF-style: chr5-112176260-C-CT.
Other names: c.4970dupT (NM_000038.6, NM_000038.5); c.4970dup, p.Ser1658fs (NM_001127510.3, NM_001354895.2); c.4916dup, p.Ser1640fs (NM_001127511.3); c.5024dup, p.Ser1676fs (NM_001354896.2); c.5000dup, p.Ser1668fs (NM_001354897.2); c.4895dup, p.Ser1633fs (NM_001354898.2); c.4886dup, p.Ser1630fs (NM_001354899.2); c.4847dup, p.Ser1617fs (NM_001354900.2); and 6 more; short protein forms S1498fs, S1532fs, S1630fs, S1658fs, S1668fs, S1557fs, S1599fs, S1633fs.
Identifiers: ClinVar variation 487050 (VCV000487050.22), dbSNP rs1554086340, ClinGen allele CA658655957.

ClinVar aggregate classification (germline): Pathogenic/Likely pathogenic. Review status: criteria provided, multiple submitters, no conflicts (2 of 4 stars). 8 submissions from 8 submitters: Pathogenic (7); Likely pathogenic (1). Last evaluated 2025-04-01.

Conditions:
Familial adenomatous polyposis 1 (FAP1). Also called: FAMILIAL ADENOMATOUS POLYPOSIS 1, ATTENUATED; POLYPOSIS, ADENOMATOUS INTESTINAL. Identifiers: MedGen C2713442, MONDO:0021056, OMIM 175100. Disease mechanism: loss of function.
Hepatocellular carcinoma (HCC). Also called: Primary carcinoma of liver; HEPATOMA; LIVER CELL CARCINOMA. Identifiers: Orphanet 88673, MedGen C2239176, MONDO:0007256, OMIM 114550, HP:0001402.
Desmoid disease, hereditary (DESMD). Also called: FIBROMATOSIS, FAMILIAL INFILTRATIVE. Identifiers: Orphanet 873, MedGen C1851124, OMIM 135290. Disease mechanism: loss of function.
Gastric adenocarcinoma and proximal polyposis of the stomach (GAPPS). Also called: POLYPOSIS, GASTRIC; Gastric Adenocarcinoma and Proximal Polyposis of the Stomach (GAPPS); Polyposis, gastric, Dos Santos and de Magalhaes 1980. Identifiers: Orphanet 314022, MedGen C4749917, MONDO:0017790, OMIM 619182.
Gastric cancer. Also called: Stomach cancer; Malignant tumor of stomach. Identifiers: MedGen C0024623, MeSH D013274, MONDO:0001056, OMIM 613659, HP:0012126.
Colorectal cancer. Also called: Colorectal cancer, somatic; Malignant Colorectal Neoplasm. Identifiers: MedGen C0346629, MONDO:0005575, OMIM 114500.
Hereditary cancer-predisposing syndrome. Also called: Tumor predisposition; Hereditary neoplastic syndrome; Hereditary Cancer Syndrome; Neoplastic Syndromes, Hereditary. Identifiers: Orphanet 140162, MedGen C0027672, MeSH D009386, MONDO:0015356.
Familial multiple polyposis syndrome (FAP). Also called: Classic familial adenomatous polyposis; Familial Adenomatous Polyposis (FAP); Familial polyposis; Familial adenomatous polyposis; Familial intestinal polyposis. Identifiers: Orphanet 733, MedGen C0032580, MONDO:0021055. Disease mechanism: loss of function.

Submissions (8):

Dasa
Classification: Pathogenic. Last evaluated: 2025-04-01. Review status: criteria provided, single submitter. Criteria: DASA Assertion Criteria. Collection method: clinical testing. Allele origin: germline.
Comment: NM_000038.6(APC):c.4970dup (p.Ser1658LysfsTer2) introduces a premature termination codon predicted to result in loss of normal protein function. Loss-of-function is an established mechanism of disease for this gene. This variant has been reported in individuals with related phenotype. The variant is present at low frequency in population datasets. Based on the available data, this variant is classified as pathogenic.

Women's Health and Genetics/Laboratory Corporation of America, LabCorp
Classification: Pathogenic for Familial multiple polyposis syndrome. Last evaluated: 2025-03-31. Review status: criteria provided, single submitter. Criteria: LabCorp Variant Classification Summary - May 2015. Collection method: clinical testing. Allele origin: germline.
Comment: Variant summary: APC c.4970dupT (p.Ser1658LysfsX2) results in a premature termination codon, predicted to cause a truncation of the encoded protein including the basic domain (IPR009234) and the EB-1 binding domain (IPR009232). At least one truncation downstream of this position has been classified as pathogenic by our laboratory (e.g. p.Tyr2645Lysfs*14). The variant was absent in 250680 control chromosomes. c.4970dupT has been reported in the literature in individuals affected with Familial Adenomatous Polyposis (Rey_2017). To our knowledge, no experimental evidence demonstrating an impact on protein function has been reported. The following publication have been ascertained in the context of this evaluation (PMID: 28502729). ClinVar contains an entry for this variant (Variation ID: 487050). Based on the evidence outlined above, the variant was classified as pathogenic.

GeneDx
Classification: Likely pathogenic. Last evaluated: 2025-03-04. Review status: criteria provided, single submitter. Criteria: GeneDx Variant Classification Process June 2021. Collection method: clinical testing. Allele origin: germline. Affected: yes.
Comment: Frameshift variant predicted to result in protein truncation in a gene for which loss of function is a known mechanism of disease; Not observed at significant frequency in large population cohorts (gnomAD); Observed in an individual with previous clinical FAP testing (PMID: 28502729); This variant is associated with the following publications: (PMID: 15311282, 8381579, 9824584, 17293347, 27081525, 1316610, 22135120, 28502729)

Labcorp Genetics (formerly Invitae), Labcorp
Classification: Pathogenic for Familial adenomatous polyposis 1. Last evaluated: 2024-03-02. Review status: criteria provided, single submitter. Criteria: Invitae Variant Classification Sherloc (09022015). Collection method: clinical testing. Allele origin: germline.
Comment: This sequence change creates a premature translational stop signal (p.Ser1658Lysfs*2) in the APC gene. While this is not anticipated to result in nonsense mediated decay, it is expected to disrupt the last 1186 amino acid(s) of the APC protein. This variant is not present in population databases (gnomAD no frequency). This variant has not been reported in the literature in individuals affected with APC-related conditions. ClinVar contains an entry for this variant (Variation ID: 487050). This variant is expected to disrupt the EB1 and HDLG binding sites, which mediate interactions with the cytoskeleton (PMID: 15311282, 17293347). While functional studies have not been performed to directly test the effect on APC protein function, this suggests that disruption of the C-terminal portion of the protein is functionally important. A different truncation (p.Tyr2645Lysfs*14) that lies downstream of this variant has been determined to be pathogenic (PMID: 9824584, 1316610, 27081525, 8381579, 22135120, Invitae). This suggests that deletion of this region of the APC protein is causative of disease. For these reasons, this variant has been classified as Pathogenic.

Ambry Genetics
Classification: Pathogenic for Hereditary cancer-predisposing syndrome. Last evaluated: 2023-03-16. Review status: criteria provided, single submitter. Criteria: Ambry Variant Classification Scheme 2023. Collection method: clinical testing. Allele origin: germline.
Comment: The c.4970dupT pathogenic mutation, located in coding exon 15 of the APC gene, results from a duplication of T at nucleotide position 4970, causing a translational frameshift with a predicted alternate stop codon (p.S1658Kfs*2). This alteration occurs at the 3' terminus of the APC gene, is not expected to trigger nonsense-mediated mRNA decay, and impacts the last 44% of the protein. However, premature stop codons are typically deleterious in nature and the impacted region is critical for protein function and a significant portion of the protein is affected (Ambry internal data). Based on the supporting evidence, this alteration is interpreted as a disease-causing mutation.

Myriad Genetics, Inc.
Classification: Pathogenic for Familial adenomatous polyposis 1. Last evaluated: 2023-03-13. Review status: criteria provided, single submitter. Criteria: Myriad Autosomal Dominant, Autosomal Recessive and X-Linked Classification Criteria (2023). Collection method: clinical testing. Allele origin: unknown.
Comment: This variant is considered pathogenic. This variant creates a frameshift predicted to result in premature protein truncation.

Department of Pathology and Laboratory Medicine, Sinai Health System
Classification: Pathogenic for Colorectal cancer; Hepatocellular carcinoma; Desmoid disease, hereditary; Familial adenomatous polyposis 1; Gastric cancer; Gastric adenocarcinoma and proximal polyposis of the stomach. Last evaluated: 2023-03-06. Review status: criteria provided, single submitter. Criteria: ACMG Guidelines, 2015. Collection method: clinical testing. Allele origin: germline. Affected: yes.

Color Diagnostics, LLC DBA Color Health
Classification: Pathogenic for Hereditary cancer-predisposing syndrome. Last evaluated: 2020-02-24. Review status: criteria provided, single submitter. Criteria: ACMG Guidelines, 2015. Collection method: clinical testing. Allele origin: germline.
Comment: This variant inserts 1 nucleotide in exon 16 of the APC gene, creating a frameshift and premature translation stop signal. This variant is expected to result in an absent or non-functional protein product. To our knowledge, this variant has not been reported in individuals affected with hereditary cancer in the literature. This variant has not been identified in the general population by the Genome Aggregation Database (gnomAD). Loss of APC function is a known mechanism of disease. Based on the available evidence, this variant is classified as Pathogenic.

Literature cited by the submitters: PubMed 28502729 (cited by Women's Health and Genetics/Laboratory Corporation of America, LabCorp); PubMed 15311282 (cited by Labcorp Genetics (formerly Invitae), Labcorp); PubMed 17293347 (cited by Labcorp Genetics (formerly Invitae), Labcorp); PubMed 9824584 (cited by Labcorp Genetics (formerly Invitae), Labcorp); PubMed 1316610 (cited by Labcorp Genetics (formerly Invitae), Labcorp); PubMed 27081525 (cited by Labcorp Genetics (formerly Invitae), Labcorp); PubMed 8381579 (cited by Labcorp Genetics (formerly Invitae), Labcorp); PubMed 22135120 (cited by Labcorp Genetics (formerly Invitae), Labcorp).